The following is an entry in ClinVar:

ClinVar aggregate classification (germline): Uncertain significance (1 of 4 stars; one submission).

Conditions:
Hereditary cancer-predisposing syndrome. Also called: Hereditary neoplastic syndrome; Neoplastic Syndromes, Hereditary; Tumor predisposition; Hereditary Cancer Syndrome. Identifiers: Orphanet 140162, MedGen C0027672, MeSH D009386, MONDO:0015356.

gnomAD v4.1: 2 of 1,612,494 alleles (0.00012%); highest among the groups gnomAD compares: South Asian, 0.0022%; no homozygotes.

Submission:

Ambry Genetics
Classification: Uncertain significance for Hereditary cancer-predisposing syndrome. Last evaluated: 2025-08-30. Review status: criteria provided, single submitter. Criteria: Ambry Variant Classification Scheme 2023. Collection method: clinical testing. Allele origin: germline.
Comment: The p.E330Q variant (also known as c.988G>C), located in coding exon 7 of the RAD50 gene, results from a G to C substitution at nucleotide position 988. The glutamic acid at codon 330 is replaced by glutamine, an amino acid with highly similar properties. This amino acid position is conserved. In addition, this alteration is predicted to be tolerated by in silico analysis. Based on the available evidence, the clinical significance of this variant remains unclear.

NM_005732.4(RAD50):c.988G>C (p.Glu330Gln)

Gene: RAD50 (RAD50 double strand break repair protein; plus strand). Cytogenetic location: 5q31.1.
Variant type: single nucleotide variant.
Coding change: c.988G>C on transcript NM_005732.4 (MANE Select); coding-DNA position 988, G replaced by C.
Protein change: p.Glu330Gln; replaces glutamic acid 330 with glutamine.
Molecular consequence: missense variant.
Genome position (GRCh38, 1-based): chr5:132,588,026, G>C. VCF-style: chr5-132588026-G-C. GRCh37 (hg19) VCF-style: chr5-131923718-G-C.
Other names: short protein forms E330Q.
Identifiers: ClinVar variation 4149740 (VCV004149740.1).
Genomic context (GRCh38, chr5:132,588,026, plus strand): 5'-AATCACCAGAGAACAGTAAGGGAGAAAGAAAGGAAATTGGTAGACTGTCATCGTGAACTG[G>C]AAAAACTAAATAAAGAATCTAGGCTTCTCAATCAGGAAAAATCAGAACTGCTTGTTGAAC-3'
Protein context (NP_005723.2, residues 320-340): RKLVDCHREL[Glu330Gln]KLNKESRLLN